The following is an entry in ClinVar:

NM_018368.4(LMBRD1):c.297C>T (p.Tyr99=)

Gene: LMBRD1 (LMBR1 domain containing 1; minus strand). Cytogenetic location: 6q13.
Variant type: single nucleotide variant.
Coding change: c.297C>T on transcript NM_018368.4 (MANE Select); coding-DNA position 297, C replaced by T.
Protein change: p.Tyr99=; no amino-acid change (tyrosine 99 retained).
Molecular consequence: synonymous variant.
Genome position (GRCh38, 1-based): chr6:69,780,504, G>A on the plus strand (C>T on the coding strand, the complement: LMBRD1 is on the minus strand). VCF-style: chr6-69780504-G-A. GRCh37 (hg19) VCF-style: chr6-70490396-G-A.
Other names: c.78C>T, p.Tyr26= (NM_001363722.2, NM_001367271.1, NM_001367272.1).
Identifiers: ClinVar variation 511809 (VCV000511809.6), dbSNP rs139154326, ClinGen allele CA3879947.

ClinVar aggregate classification (germline): Likely benign. Review status: criteria provided, multiple submitters, no conflicts (2 of 4 stars). 3 submissions from 3 submitters: Likely benign (2). 1 of the submissions does not count toward it. Last evaluated 2025-04-15.

Conditions:
LMBRD1-related disorder. Also called: LMBRD1-related condition.
Methylmalonic aciduria and homocystinuria type cblF. Also called: COBALAMIN F DISEASE; COBALAMIN, DEFECT IN LYSOSOMAL RELEASE OF; METHYLMALONIC ACIDEMIA AND HOMOCYSTINURIA, cblF TYPE; METHYLMALONIC ACIDURIA DUE TO VITAMIN B12-RELEASE DEFECT; VITAMIN B12 LYSOSOMAL RELEASE DEFECT; VITAMIN B12 STORAGE DISEASE. Identifiers: Orphanet 79284, MedGen C1848578, MONDO:0010183, OMIM 277380.

Allele frequency attached by ClinVar (database versions not stated): gnomAD 0.00003 and 0.00004; gnomAD exomes 0.00003 and 0.00006; TOPMed 0.00007; ExAC 0.00009; ESP Exome Variant Server 0.00015.
gnomAD v4.1: 41 of 1,606,408 alleles (0.0026%); highest among the groups gnomAD compares: East Asian, 0.038%; no homozygotes.

Submissions (3):

Labcorp Genetics (formerly Invitae), Labcorp
Classification: Likely benign for Methylmalonic aciduria and homocystinuria type cblF. Last evaluated: 2025-04-15. Review status: criteria provided, single submitter. Criteria: Invitae Variant Classification Sherloc (09022015). Collection method: clinical testing. Allele origin: germline.

GeneDx
Classification: Likely benign. Last evaluated: 2017-09-22. Review status: criteria provided, single submitter. Criteria: GeneDx Variant Classification (06012015). Collection method: clinical testing. Allele origin: germline. Affected: yes.
Comment: This variant is considered likely benign or benign based on one or more of the following criteria: it is a conservative change, it occurs at a poorly conserved position in the protein, it is predicted to be benign by multiple in silico algorithms, and/or has population frequency not consistent with disease.

PreventionGenetics, part of Exact Sciences
Classification: Likely benign for LMBRD1-related condition. Last evaluated: 2019-07-10. Review status: no assertion criteria provided. Collection method: clinical testing. Allele origin: germline. Not counted in ClinVar's aggregate classification.
Comment: This variant is classified as likely benign based on ACMG/AMP sequence variant interpretation guidelines (Richards et al. 2015 PMID: 25741868, with internal and published modifications).